The following is an entry in ClinVar:

ClinVar aggregate classification (germline): Uncertain significance. Review status: criteria provided, multiple submitters, no conflicts (2 of 4 stars). 2 submissions from 2 submitters: Uncertain significance (2). Last evaluated 2025-11-12.

Conditions:
DICER1-related tumor predisposition. Also called: DICER1-related pleuropulmonary blastoma cancer predisposition syndrome; DICER1 syndrome. Identifiers: Orphanet 284343, MedGen C3839822, MONDO:0100216.
Hereditary cancer-predisposing syndrome. Also called: Tumor predisposition; Neoplastic Syndromes, Hereditary; Hereditary Cancer Syndrome; Hereditary neoplastic syndrome. Identifiers: Orphanet 140162, MedGen C0027672, MeSH D009386, MONDO:0015356.

Submissions (2):

Ambry Genetics
Classification: Uncertain significance for Hereditary cancer-predisposing syndrome. Last evaluated: 2025-11-12. Review status: criteria provided, single submitter. Criteria: Ambry Variant Classification Scheme 2023. Collection method: clinical testing. Allele origin: germline.
Comment: The p.F894L variant (also known as c.2682T>G), located in coding exon 16 of the DICER1 gene, results from a T to G substitution at nucleotide position 2682. The phenylalanine at codon 894 is replaced by leucine, an amino acid with highly similar properties. This amino acid position is highly conserved in available vertebrate species. In addition, the in silico prediction for this alteration is inconclusive. Based on the available evidence, the clinical significance of this variant remains unclear.

Labcorp Genetics (formerly Invitae), Labcorp
Classification: Uncertain significance for DICER1-related tumor predisposition. Last evaluated: 2024-10-01. Review status: criteria provided, single submitter. Criteria: Invitae Variant Classification Sherloc (09022015). Collection method: clinical testing. Allele origin: germline.
Comment: This sequence change replaces phenylalanine, which is neutral and non-polar, with leucine, which is neutral and non-polar, at codon 894 of the DICER1 protein (p.Phe894Leu). This variant is not present in population databases (gnomAD no frequency). This variant has not been reported in the literature in individuals affected with DICER1-related conditions. ClinVar contains an entry for this variant (Variation ID: 477114). Invitae Evidence Modeling of protein sequence and biophysical properties (such as structural, functional, and spatial information, amino acid conservation, physicochemical variation, residue mobility, and thermodynamic stability) indicates that this missense variant is not expected to disrupt DICER1 protein function with a negative predictive value of 80%. In summary, the available evidence is currently insufficient to determine the role of this variant in disease. Therefore, it has been classified as a Variant of Uncertain Significance.

NM_177438.3(DICER1):c.2682T>G (p.Phe894Leu)

Gene: DICER1 (dicer 1, ribonuclease III; minus strand). Cytogenetic location: 14q32.13.
Variant type: single nucleotide variant.
Coding change: c.2682T>G on transcript NM_177438.3 (MANE Select); coding-DNA position 2682, T replaced by G.
Protein change: p.Phe894Leu; replaces phenylalanine 894 with leucine.
Molecular consequence: missense variant.
Genome position (GRCh38, 1-based): chr14:95,107,730, A>C on the plus strand (T>G on the coding strand, the complement: DICER1 is on the minus strand). VCF-style: chr14-95107730-A-C. GRCh37 (hg19) VCF-style: chr14-95574067-A-C.
Other names: c.2682T>G, p.Phe894Leu (NM_001195573.1, NM_001271282.3, NM_001291628.2 and 1 more transcripts); short protein forms F894L.
Identifiers: ClinVar variation 477114 (VCV000477114.11), dbSNP rs760009604, ClinGen allele CA390879743.
Genomic context (GRCh38, chr14:95,107,730, plus strand): 5'-ATACTTTGTACTGGGAATGCCTATGCGAGCTTCAGACTTCTCAATATCTTCCATGAATTT[A>C]AAGTCAATATCCAAAGTGCTGGAGTCATTAACTTAGAAGAGAAAAACGACTCTTTAGCTT-3'
Protein context (NP_803187.1, residues 884-904): VNDSSTLDID[Phe894Leu]KFMEDIEKSE